The following is an entry in ClinVar:

ClinVar aggregate classification (germline): Uncertain significance (1 of 4 stars; one submission).

Submission:

GeneDx
Classification: Uncertain significance. Last evaluated: 2022-03-01. Review status: criteria provided, single submitter. Criteria: GeneDx Variant Classification Process June 2021. Collection method: clinical testing. Allele origin: germline. Affected: yes.
Comment: Not observed at significant frequency in large population cohorts (gnomAD); In silico analysis supports that this missense variant has a deleterious effect on protein structure/function; Has not been previously published as pathogenic or benign to our knowledge

NM_015375.3(DSTYK):c.2258C>T (p.Thr753Ile)

Gene: DSTYK (dual serine/threonine and tyrosine protein kinase; minus strand). Cytogenetic location: 1q32.1.
Variant type: single nucleotide variant.
Coding change: c.2258C>T on transcript NM_015375.3 (MANE Select); coding-DNA position 2258, C replaced by T.
Protein change: p.Thr753Ile; replaces threonine 753 with isoleucine.
Molecular consequence: missense variant.
Genome position (GRCh38, 1-based): chr1:205,157,367, G>A on the plus strand (C>T on the coding strand, the complement: DSTYK is on the minus strand). VCF-style: chr1-205157367-G-A. GRCh37 (hg19) VCF-style: chr1-205126495-G-A.
Other names: c.2258C>T, p.Thr753Ile (NM_199462.3); short protein forms T753I.
Identifiers: ClinVar variation 1704187 (VCV001704187.2), dbSNP rs2526807549, ClinGen allele CA344392354.